The following is an entry in ClinVar:

NM_153676.4(USH1C):c.1228C>G (p.Arg410Gly)

Gene: USH1C (USH1 protein network component harmonin; minus strand). Cytogenetic location: 11p15.1.
Variant type: single nucleotide variant.
Coding change: c.1228C>G on transcript NM_153676.4 (MANE Select); coding-DNA position 1228, C replaced by G.
Protein change: p.Arg410Gly; replaces arginine 410 with glycine.
Molecular consequence: missense variant. On other transcripts: intron variant (10).
Genome position (GRCh38, 1-based): chr11:17,516,273, G>C on the plus strand (C>G on the coding strand, the complement: USH1C is on the minus strand). VCF-style: chr11-17516273-G-C. GRCh37 (hg19) VCF-style: chr11-17537820-G-C.
Other names: c.1228C>G, p.Arg410Gly (NM_001440681.1); c.1227+1128C>G (NM_001297764.2); c.1210+4597C>G (NM_001440687.1); c.1284+1128C>G (NM_001440685.1, NM_005709.4, NM_001440682.1 and 2 more transcripts); c.1260+1128C>G (NM_001440686.1); c.1317+1128C>G (NM_001440684.1, NM_001440679.1); short protein forms R410G.
Identifiers: ClinVar variation 4998114 (VCV004998114.1).

ClinVar aggregate classification (germline): Uncertain significance (1 of 4 stars; one submission).

Conditions:
USH1C-related disorder. Also called: USH1C-related condition.

gnomAD v4.1: 17 of 1,613,196 alleles (0.0011%); highest among the groups gnomAD compares: Non-Finnish European, 0.0014%; no homozygotes.

Submission:

PreventionGenetics, part of Exact Sciences
Classification: Uncertain significance for USH1C-related condition. Last evaluated: 2025-09-22. Review status: criteria provided, single submitter. Criteria: ACMG Guidelines, 2015. Collection method: clinical testing. Allele origin: germline.
Comment: The USH1C c.1228C>G variant is predicted to result in the amino acid substitution p.Arg410Gly. This variant is intronic in transcript that is biologically relevant for hearing loss NM_005709:c.1284+1128C>G. This variant occurs in an exon 15 of an alternatively spliced transcript (NM_153676) that is expressed in the inner ear but not the retina (Figure 3, b3 isoform, Verpy et al. 2000. PubMed ID: 10973247; Ouyang et al. 2002. PubMed ID: 12136232) and has been deemed an exon of uncertain clinical significance (NM_153676 exons 15, 19, 20, Table S3, DiStefano et al. 2018. PubMed ID: 30096381).To our knowledge, this variant has not been reported in the literature. This variant is reported in 0.00088% of alleles in individuals of European (Non-Finnish) descent in gnomAD. At this time, the clinical significance of this variant is uncertain due to the absence of conclusive functional and genetic evidence.